The following is an entry in ClinVar:

ClinVar aggregate classification (germline): Uncertain significance (1 of 4 stars; one submission).

Conditions:
Inborn genetic diseases. Identifiers: MedGen C0950123, MeSH D030342.

gnomAD v4.1: 3 of 1,614,094 alleles (0.00019%); highest among the groups gnomAD compares: Admixed American, 0.0017%; no homozygotes.

Submission:

Ambry Genetics
Classification: Uncertain significance for Inborn genetic diseases. Last evaluated: 2026-08-13. Review status: criteria provided, single submitter. Criteria: Ambry Variant Classification Scheme 2023. Collection method: clinical testing. Allele origin: germline.
Comment: The c.2887G>A (p.A963T) alteration is located in exon 23 (coding exon 21) of the MYH3 gene. This alteration results from a G to A substitution at nucleotide position 2887, causing the alanine (A) at amino acid position 963 to be replaced by a threonine (T). Based on data from gnomAD, the A allele has an overall frequency of <0.001% (1/251494) total alleles studied. The highest observed frequency was <0.001% (/) of alleles. Based on insufficient or conflicting evidence, the clinical significance of this alteration remains unclear.

NM_002470.4(MYH3):c.2887G>A (p.Ala963Thr)

Gene: MYH3 (myosin heavy chain 3; minus strand). Cytogenetic location: 17p13.1.
Variant type: single nucleotide variant.
Coding change: c.2887G>A on transcript NM_002470.4 (MANE Select); coding-DNA position 2887, G replaced by A.
Protein change: p.Ala963Thr; replaces alanine 963 with threonine.
Molecular consequence: missense variant.
Genome position (GRCh38, 1-based): chr17:10,639,598, C>T on the plus strand (G>A on the coding strand, the complement: MYH3 is on the minus strand). VCF-style: chr17-10639598-C-T. GRCh37 (hg19) VCF-style: chr17-10542915-C-T.
Other names: short protein forms A963T.
Identifiers: ClinVar variation 5025108 (VCV005025108.1).
Genomic context (GRCh38, chr17:10,639,598, plus strand): 5'-GACACACCTACAATAAGAATACCTTGTTCTCTGTGGCATGCTTCTCCTTCTCAACCTTGG[C>T]CAGGGTCAACTCAAGGTCATCAATGTCTTTCTTGAGCTCTGAGCATTCATCCTCCAGTTT-3'
Protein context (NP_002461.2, residues 953-973): KDIDDLELTL[Ala963Thr]KVEKEKHATE